The following is an entry in ClinVar:

NM_001378183.1(PIEZO2):c.6466G>T (p.Asp2156Tyr)

Gene: PIEZO2 (piezo type mechanosensitive ion channel component 2; minus strand). Cytogenetic location: 18p11.22.
Variant type: single nucleotide variant.
Coding change: c.6466G>T on transcript NM_001378183.1 (MANE Select); coding-DNA position 6466, G replaced by T.
Protein change: p.Asp2156Tyr; replaces aspartic acid 2156 with tyrosine.
Molecular consequence: missense variant.
Genome position (GRCh38, 1-based): chr18:10,699,153, C>A on the plus strand (G>T on the coding strand, the complement: PIEZO2 is on the minus strand). VCF-style: chr18-10699153-C-A. GRCh37 (hg19) VCF-style: chr18-10699151-C-A.
Other names: c.6202G>T, p.Asp2068Tyr (NM_001410871.1); c.6127G>T, p.Asp2043Tyr (NM_022068.4); short protein forms D2043Y, D2068Y, D2156Y.
Identifiers: ClinVar variation 3371040 (VCV003371040.2).

ClinVar aggregate classification (germline): Uncertain significance (1 of 4 stars; one submission).

gnomAD v4.1: 8 of 1,537,108 alleles (0.00052%); highest among the groups gnomAD compares: African/African-American, 0.0014%; no homozygotes.

Submission:

GeneDx
Classification: Uncertain significance. Last evaluated: 2024-12-06. Review status: criteria provided, single submitter. Criteria: GeneDx Variant Classification Process June 2021. Collection method: clinical testing. Allele origin: germline. Affected: yes.
Comment: In silico analysis supports that this missense variant has a deleterious effect on protein structure/function; Has not been previously published as pathogenic or benign to our knowledge